The following is an entry in ClinVar:

ClinVar aggregate classification (germline): Uncertain significance (1 of 4 stars; one submission).

Allele frequency attached by ClinVar (database versions not stated): gnomAD exomes below 0.00001; TOPMed below 0.00001; ExAC 0.00001; gnomAD 0.00001; ESP Exome Variant Server 0.00008.
gnomAD v4.1: 2 of 1,613,724 alleles (0.00012%); highest among the groups gnomAD compares: Non-Finnish European, 0.00017%; no homozygotes.

Submission:

Ambry Genetics
Classification: Uncertain significance. Last evaluated: 2025-01-10. Review status: criteria provided, single submitter. Criteria: Ambry Variant Classification Scheme 2023. Collection method: clinical testing. Allele origin: germline.
Comment: The p.I556V variant (also known as c.1666A>G), located in coding exon 13 of the GEN1 gene, results from an A to G substitution at nucleotide position 1666. The isoleucine at codon 556 is replaced by valine, an amino acid with highly similar properties. This amino acid position is conserved. In addition, this alteration is predicted to be tolerated by in silico analysis. Based on the available evidence, the clinical significance of this variant remains unclear.

NM_001130009.3(GEN1):c.1666A>G (p.Ile556Val)

Gene: GEN1 (GEN1 Holliday junction 5' flap endonuclease; plus strand). Cytogenetic location: 2p24.2.
Variant type: single nucleotide variant.
Coding change: c.1666A>G on transcript NM_001130009.3 (MANE Select); coding-DNA position 1666, A replaced by G.
Protein change: p.Ile556Val; replaces isoleucine 556 with valine.
Molecular consequence: missense variant.
Genome position (GRCh38, 1-based): chr2:17,780,878, A>G. VCF-style: chr2-17780878-A-G. GRCh37 (hg19) VCF-style: chr2-17962145-A-G.
Other names: c.1666A>G, p.Ile556Val (NM_182625.5); short protein forms I556V.
Identifiers: ClinVar variation 2247616 (VCV002247616.3), dbSNP rs373999024, ClinGen allele CA1540813.
Genomic context (GRCh38, chr2:17,780,878, plus strand): 5'-CCATGTTTGAATGCACAAGAACAGTTCATGTCTTCTCTAAGACCTTTGGCTATACAGCAA[A>G]TTAAAGCTGTCAGTAAGTCTCTAATTTCAGAATCTAGTCAACCCAATACCTCATCTCATA-3'
Protein context (NP_001123481.3, residues 546-566): SSLRPLAIQQ[Ile556Val]KAVSKSLISE